The following is an entry in ClinVar:

ClinVar aggregate classification (germline): Uncertain significance. Review status: criteria provided, multiple submitters, no conflicts (2 of 4 stars). 2 submissions from 2 submitters: Uncertain significance (2). Last evaluated 2025-08-29.

Conditions:
Cardiovascular phenotype. Identifiers: MedGen CN230736.
Primary dilated cardiomyopathy (DCM). Also called: Dilated Cardiomyopathy. Identifiers: Orphanet 217604, MedGen C0007193, MeSH D002311, MONDO:0005021, HP:0001644. Inheritance: Various modes of inheritance.

Allele frequency attached by ClinVar (database versions not stated): ExAC 0.00001; gnomAD 0.00003; TOPMed 0.00005.
gnomAD v4.1: 32 of 1,608,748 alleles (0.002%); highest among the groups gnomAD compares: Middle Eastern, 0.033%; no homozygotes.

Submissions (2):

Ambry Genetics
Classification: Uncertain significance for Cardiovascular phenotype. Last evaluated: 2025-08-29. Review status: criteria provided, single submitter. Criteria: Ambry Variant Classification Scheme 2023. Collection method: clinical testing. Allele origin: germline.

Labcorp Genetics (formerly Invitae), Labcorp
Classification: Uncertain significance for Primary dilated cardiomyopathy. Last evaluated: 2025-03-09. Review status: criteria provided, single submitter. Criteria: Invitae Variant Classification Sherloc (09022015). Collection method: clinical testing. Allele origin: germline.
Comment: This sequence change replaces proline, which is neutral and non-polar, with leucine, which is neutral and non-polar, at codon 122 of the TXNRD2 protein (p.Pro122Leu). This variant is present in population databases (rs745896340, gnomAD 0.006%). This variant has not been reported in the literature in individuals affected with TXNRD2-related conditions. ClinVar contains an entry for this variant (Variation ID: 1733664). Invitae Evidence Modeling of protein sequence and biophysical properties (such as structural, functional, and spatial information, amino acid conservation, physicochemical variation, residue mobility, and thermodynamic stability) indicates that this missense variant is not expected to disrupt TXNRD2 protein function with a negative predictive value of 80%. In summary, the available evidence is currently insufficient to determine the role of this variant in disease. Therefore, it has been classified as a Variant of Uncertain Significance.

NM_006440.5(TXNRD2):c.365C>T (p.Pro122Leu)

Gene: TXNRD2 (thioredoxin reductase 2; minus strand). Cytogenetic location: 22q11.21.
Variant type: single nucleotide variant.
Coding change: c.365C>T on transcript NM_006440.5 (MANE Select); coding-DNA position 365, C replaced by T.
Protein change: p.Pro122Leu; replaces proline 122 with leucine.
Molecular consequence: missense variant. On other transcripts: non-coding transcript variant (1).
Genome position (GRCh38, 1-based): chr22:19,918,869, G>A on the plus strand (C>T on the coding strand, the complement: TXNRD2 is on the minus strand). VCF-style: chr22-19918869-G-A. GRCh37 (hg19) VCF-style: chr22-19906392-G-A.
Other names: c.365C>T, p.Pro122Leu (NM_001282512.3); c.362C>T, p.Pro121Leu (NM_001352300.2); c.275C>T, p.Pro92Leu (NM_001352301.2); c.77C>T, p.Pro26Leu (NM_001352302.2); c.269C>T, p.Pro90Leu (NM_001352303.2); short protein forms P122L, P90L, P121L, P26L, P92L.
Identifiers: ClinVar variation 1733664 (VCV001733664.9), dbSNP rs745896340, ClinGen allele CA10104252.
Genomic context (GRCh38, chr22:19,918,869, plus strand): 5'-CACCCAAGAGTAGAAGAAAAGCACTGGAATGCCACGGCGCCAGATCCTTACCAGTCATGC[G>A]GCACGGGCTGGGCCACCTCCCAGCCATAGTTGGGGGCATCTTGGATCAGGCCTCCCAGCA-3'
Protein context (NP_006431.2, residues 112-132): NYGWEVAQPV[Pro122Leu]HDWRKMAEAV